The following is an entry in ClinVar:

ClinVar aggregate classification (germline): Uncertain significance. Review status: criteria provided, single submitter (1 of 4 stars). 2 submissions from 2 submitters: Uncertain significance (1). 1 of the submissions does not count toward it. Last evaluated 2025-03-30.

Conditions:
Inborn genetic diseases. Identifiers: MedGen C0950123, MeSH D030342.
GP1BA-related disorder. Also called: GP1BA-related condition.

Allele frequency attached by ClinVar (database versions not stated): ExAC 0.00002; gnomAD 0.00002; gnomAD exomes 0.00002; TOPMed 0.00002; ESP Exome Variant Server 0.00008.
gnomAD v4.1: 40 of 1,613,888 alleles (0.0025%); highest among the groups gnomAD compares: African/African-American, 0.004%; no homozygotes.

Submissions (2):

Ambry Genetics
Classification: Uncertain significance for Inborn genetic diseases. Last evaluated: 2025-03-30. Review status: criteria provided, single submitter. Criteria: Ambry Variant Classification Scheme 2023. Collection method: clinical testing. Allele origin: germline.

PreventionGenetics, part of Exact Sciences
Classification: Uncertain significance for GP1BA-related condition. Last evaluated: 2024-04-23. Review status: no assertion criteria provided. Collection method: clinical testing. Allele origin: germline. Not counted in ClinVar's aggregate classification.
Comment: The GP1BA c.1708G>A variant is predicted to result in the amino acid substitution p.Ala570Thr. To our knowledge, this variant has not been reported in the literature. This variant is reported in 0.0031% of alleles in individuals of European (Non-Finnish) descent in gnomAD. At this time, the clinical significance of this variant is uncertain due to the absence of conclusive functional and genetic evidence.

NM_000173.7(GP1BA):c.1708G>A (p.Ala570Thr)

Gene: GP1BA (glycoprotein Ib platelet subunit alpha; plus strand). Cytogenetic location: 17p13.2.
Variant type: single nucleotide variant.
Coding change: c.1708G>A on transcript NM_000173.7 (MANE Select); coding-DNA position 1708, G replaced by A.
Protein change: p.Ala570Thr; replaces alanine 570 with threonine.
Molecular consequence: missense variant.
Genome position (GRCh38, 1-based): chr17:4,934,312, G>A. VCF-style: chr17-4934312-G-A. GRCh37 (hg19) VCF-style: chr17-4837607-G-A.
Other names: c.1708G>A (NM_000173.6); short protein forms A570T.
Identifiers: ClinVar variation 2472303 (VCV002472303.4), dbSNP rs376535076, ClinGen allele CA8315051.